The following is an entry in ClinVar:

NM_025132.4(WDR19):c.956A>G (p.Asn319Ser)

Gene: WDR19 (WD repeat domain 19; plus strand). Cytogenetic location: 4p14.
Variant type: single nucleotide variant.
Coding change: c.956A>G on transcript NM_025132.4 (MANE Select); coding-DNA position 956, A replaced by G.
Protein change: p.Asn319Ser; replaces asparagine 319 with serine.
Molecular consequence: missense variant.
Genome position (GRCh38, 1-based): chr4:39,214,666, A>G. VCF-style: chr4-39214666-A-G. GRCh37 (hg19) VCF-style: chr4-39216286-A-G.
Other names: c.476A>G, p.Asn159Ser (NM_001317924.2); short protein forms N159S, N319S.
Identifiers: ClinVar variation 1447007 (VCV001447007.7), dbSNP rs1728875659, ClinGen allele CA356636260.
Genomic context (GRCh38, chr4:39,214,666, plus strand): 5'-AAATCCAAGACTTGGTTGACTTAAAAGACATGTATGTTATACTCAACCTGGATGAGGAAA[A>G]TAAAGGTATTGATTTTTCTGAAGCAGATTGACATTTTATCATTCCAGTTACAGAGAGTAA-3'
Protein context (NP_079408.3, residues 309-329): MYVILNLDEE[Asn319Ser]KGLGTLSWTD

ClinVar aggregate classification (germline): Uncertain significance. Review status: criteria provided, multiple submitters, no conflicts (2 of 4 stars). 3 submissions from 3 submitters: Uncertain significance (3). Last evaluated 2024-04-02.

Conditions:
Asphyxiating thoracic dystrophy 5 (SRTD5). Also called: SHORT-RIB THORACIC DYSPLASIA 5 WITH OR WITHOUT POLYDACTYLY; SHORT-RIB THORACIC DYSPLASIA 5 WITHOUT POLYDACTYLY. Identifiers: Orphanet 474, MedGen C3280598, MONDO:0013717, OMIM 614376.
Nephronophthisis 13 (NPHP13). Identifiers: Orphanet 655, MedGen C3280612, MONDO:0013718, OMIM 614377.
Cranioectodermal dysplasia 4 (CED4). Identifiers: Orphanet 1515, MedGen C3280616, MONDO:0013719, OMIM 614378.
Spermatogenic failure 72 (SPGF72). Identifiers: MedGen C5676980, MONDO:0030809, OMIM 619867.
Senior-Loken syndrome 8 (SLSN8). Identifiers: Orphanet 3156, MedGen C4225376, MONDO:0014579, OMIM 616307.

Allele frequency attached by ClinVar (database versions not stated): gnomAD exomes below 0.00001; TOPMed below 0.00001.

Submissions (3):

Fulgent Genetics
Classification: Uncertain significance for Asphyxiating thoracic dystrophy 5; Nephronophthisis 13; Cranioectodermal dysplasia 4; Senior-Loken syndrome 8; Spermatogenic failure 72. Last evaluated: 2024-04-02. Review status: criteria provided, single submitter. Criteria: ACMG Guidelines, 2015. Collection method: clinical testing. Allele origin: germline.

Labcorp Genetics (formerly Invitae), Labcorp
Classification: Uncertain significance for Senior-Loken syndrome 8; Asphyxiating thoracic dystrophy 5. Last evaluated: 2022-09-06. Review status: criteria provided, single submitter. Criteria: Invitae Variant Classification Sherloc (09022015). Collection method: clinical testing. Allele origin: germline.
Comment: This sequence change replaces asparagine, which is neutral and polar, with serine, which is neutral and polar, at codon 319 of the WDR19 protein (p.Asn319Ser). This variant is not present in population databases (gnomAD no frequency). This variant has not been reported in the literature in individuals affected with WDR19-related conditions. ClinVar contains an entry for this variant (Variation ID: 1447007). Algorithms developed to predict the effect of missense changes on protein structure and function (SIFT, PolyPhen-2, Align-GVGD) all suggest that this variant is likely to be tolerated. Algorithms developed to predict the effect of sequence changes on RNA splicing suggest that this variant may create or strengthen a splice site. In summary, the available evidence is currently insufficient to determine the role of this variant in disease. Therefore, it has been classified as a Variant of Uncertain Significance.

GeneDx
Classification: Uncertain significance. Last evaluated: 2022-06-13. Review status: criteria provided, single submitter. Criteria: GeneDx Variant Classification Process June 2021. Collection method: clinical testing. Allele origin: germline. Affected: yes.
Comment: Has not been previously published as pathogenic or benign to our knowledge; Not observed at significant frequency in large population cohorts (gnomAD); In silico analysis supports that this missense variant does not alter protein structure/function